The following is an entry in ClinVar:

ClinVar aggregate classification (germline): Uncertain significance (0 of 4 stars; one submission).

Conditions:
SLC10A1-related disorder. Also called: SLC10A1-related condition.

Submission:

PreventionGenetics, part of Exact Sciences
Classification: Uncertain significance for SLC10A1-related condition. Last evaluated: 2024-09-23. Review status: no assertion criteria provided. Collection method: clinical testing. Allele origin: germline.
Comment: The SLC10A1 c.639C>G variant is predicted to result in the amino acid substitution p.Ser213Arg. To our knowledge, this variant was detected in at least one individual undergoing liver surgery subsequent to hepatic cancer. In vitro functional studies suggests that this variant does not affect the bile acid transport function of NTCP polypeptide. This variant is reported in 0.064% of alleles in individuals of European (Finnish) descent in gnomAD. At this time, the clinical significance of this variant is uncertain due to the absence of conclusive functional and genetic evidence.

NM_003049.4(SLC10A1):c.639C>G (p.Ser213Arg)

Gene: SLC10A1 (solute carrier family 10 member 1; minus strand). Cytogenetic location: 14q24.1.
Variant type: single nucleotide variant.
Coding change: c.639C>G on transcript NM_003049.4 (MANE Select); coding-DNA position 639, C replaced by G.
Protein change: p.Ser213Arg; replaces serine 213 with arginine.
Molecular consequence: missense variant.
Genome position (GRCh38, 1-based): chr14:69,779,289, G>C on the plus strand (C>G on the coding strand, the complement: SLC10A1 is on the minus strand). VCF-style: chr14-69779289-G-C. GRCh37 (hg19) VCF-style: chr14-70246006-G-C.
Other names: short protein forms S213R.
Identifiers: ClinVar variation 3353227 (VCV003353227.1).
Genomic context (GRCh38, chr14:69,779,289, plus strand): 5'-GCCAATAAAAGGCATCAGGGAGGAGGTGGCAATCAAGAGTGGTGTCATGGCAAACATGAT[G>C]CTCTTCCCCACATTGATGGCAGAGAGAACTGTGACGGCCACACTGCACAAGAGAATGATG-3'
Protein context (NP_003040.1, residues 203-223): TVLSAINVGK[Ser213Arg]IMFAMTPLLI